The following is an entry in ClinVar:

NM_004100.5(EYA4):c.194C>G (p.Thr65Arg)

Gene: EYA4 (EYA transcriptional coactivator and phosphatase 4; plus strand). Cytogenetic location: 6q23.2.
Variant type: single nucleotide variant.
Coding change: c.194C>G on transcript NM_004100.5 (MANE Select); coding-DNA position 194, C replaced by G.
Protein change: p.Thr65Arg; replaces threonine 65 with arginine.
Molecular consequence: missense variant.
Genome position (GRCh38, 1-based): chr6:133,446,740, C>G. VCF-style: chr6-133446740-C-G. GRCh37 (hg19) VCF-style: chr6-133767878-C-G.
Other names: c.194C>G, p.Thr65Arg (NM_001301012.2, NM_001301013.2, NM_001370458.1 and 3 more transcripts); short protein forms T65R.
Identifiers: ClinVar variation 4741586 (VCV004741586.1).

ClinVar aggregate classification (germline): Uncertain significance (1 of 4 stars; one submission).

Conditions:
Dilated cardiomyopathy 1J (CMD1J). Also called: CARDIOMYOPATHY, DILATED, WITH SENSORINEURAL HEARING LOSS, AUTOSOMAL DOMINANT. Identifiers: Orphanet 217622, MedGen C1854368, MONDO:0011541, OMIM 605362.

Submission:

Labcorp Genetics (formerly Invitae), Labcorp
Classification: Uncertain significance for Dilated cardiomyopathy 1J. Last evaluated: 2025-10-06. Review status: criteria provided, single submitter. Criteria: Invitae Variant Classification Sherloc (09022015). Collection method: clinical testing. Allele origin: germline.
Comment: This sequence change replaces threonine, which is neutral and polar, with arginine, which is basic and polar, at codon 65 of the EYA4 protein (p.Thr65Arg). This variant is present in population databases (no rsID available, gnomAD 0.0009%). This variant has not been reported in the literature in individuals affected with EYA4-related conditions. Invitae Evidence Modeling of protein sequence and biophysical properties (such as structural, functional, and spatial information, amino acid conservation, physicochemical variation, residue mobility, and thermodynamic stability) indicates that this missense variant is not expected to disrupt EYA4 protein function with a negative predictive value of 80%. In summary, the available evidence is currently insufficient to determine the role of this variant in disease. Therefore, it has been classified as a Variant of Uncertain Significance.